The following is an entry in ClinVar:

ClinVar aggregate classification (germline): Benign. Review status: criteria provided, multiple submitters, no conflicts (2 of 4 stars). 3 submissions from 2 submitters: Benign (3). Last evaluated 2018-01-13.

Conditions:
Chondrocalcinosis 2. Also called: CALCIUM GOUT; CALCIUM PYROPHOSPHATE ARTHROPATHY; Familial calcium pyrophosphate deposition. Identifiers: Orphanet 1416, MedGen C0856830, MONDO:0007319, OMIM 118600.
Craniometaphyseal dysplasia, autosomal dominant (CMDD). Identifiers: Orphanet 1522, MedGen C1852502, MONDO:0007397, OMIM 123000.

Allele frequency attached by ClinVar (database versions not stated): 1000 Genomes Project 0.00399; 1000 Genomes Project 30x 0.00422; TOPMed 0.01152; gnomAD 0.01384 and 0.01452.

Submissions (3):

Illumina Laboratory Services, Illumina
Classification: Benign for Chondrocalcinosis 2. Last evaluated: 2018-01-13. Review status: criteria provided, single submitter. Criteria: ICSL Variant Classification Criteria 13 December 2019. Collection method: clinical testing. Allele origin: germline.
Comment: This variant was observed in the ICSL laboratory as part of a predisposition screen in an ostensibly healthy population. It had not been previously curated by ICSL or reported in the Human Gene Mutation Database (HGMD: prior to June 1st, 2018), and was therefore a candidate for classification through an automated scoring system. Utilizing variant allele frequency, disease prevalence and penetrance estimates, and inheritance mode, an automated score was calculated to assess if this variant is too frequent to cause the disease. Based on the score and internal cut-off values, a variant classified as benign is not then subjected to further curation. The score for this variant resulted in a classification of benign for this disease.

Illumina Laboratory Services, Illumina
Classification: Benign for Craniometaphyseal dysplasia, autosomal dominant. Last evaluated: 2018-01-13. Review status: criteria provided, single submitter. Criteria: ICSL Variant Classification Criteria 13 December 2019. Collection method: clinical testing. Allele origin: germline.
Comment: the same text as in the submission from Illumina Laboratory Services, Illumina above.

Breakthrough Genomics
Classification: Benign. Review status: criteria provided, single submitter. Criteria: ACMG Guidelines, 2015. Collection method: not provided. Allele origin: germline. Inheritance: Autosomal dominant inheritance. Affected: yes.

NM_054027.6(ANKH):c.*3420T>C

Genes: ANKH (ANKH inorganic pyrophosphate transport regulator; minus strand), OTULIN (OTU deubiquitinase with linear linkage specificity; plus strand). Cytogenetic location: 5p15.2.
Variant type: single nucleotide variant.
Coding change: c.*3420T>C on transcript NM_054027.6 (MANE Select); 3420 bases downstream of the stop codon, T replaced by C.
Molecular consequence: 3 prime UTR variant.
Genome position (GRCh38, 1-based): chr5:14,707,777, A>G on the plus strand (T>C on the coding strand, the complement: ANKH is on the minus strand). VCF-style: chr5-14707777-A-G. GRCh37 (hg19) VCF-style: chr5-14707886-A-G.
Identifiers: ClinVar variation 351436 (VCV000351436.6), dbSNP rs79059123, ClinGen allele CA10620479.